The following is an entry in ClinVar:

ClinVar aggregate classification (germline): Uncertain significance. Review status: criteria provided, multiple submitters, no conflicts (2 of 4 stars). 3 submissions from 3 submitters: Uncertain significance (3). Last evaluated 2025-08-10.

Conditions:
Cardiovascular phenotype. Identifiers: MedGen CN230736.
Arrhythmogenic cardiomyopathy with wooly hair and keratoderma. Also called: Arrhythmogenic cardiomyopathy with woolly hair and keratoderma; PALMOPLANTAR KERATODERMA WITH LEFT VENTRICULAR CARDIOMYOPATHY AND WOOLLY HAIR; Carvajal syndrome; Dilated cardiomyopathy with woolly hair and keratoderma. Identifiers: Orphanet 65282, MedGen C1854063, MONDO:0011581, OMIM 605676.
Arrhythmogenic right ventricular dysplasia 8 (ARVD8). Also called: Arrhythmogenic Right Ventricular Dysplasia/Cardiomyopathy 8; ARRHYTHMOGENIC RIGHT VENTRICULAR DYSPLASIA, FAMILIAL, 8; ARRHYTHMOGENIC RIGHT VENTRICULAR CARDIOMYOPATHY 8. Identifiers: MedGen C1843896, MONDO:0011831, OMIM 607450.

Allele frequency attached by ClinVar (database versions not stated): ExAC 0.00001; gnomAD exomes 0.00001.
gnomAD v4.1: 5 of 1,614,190 alleles (0.00031%); highest among the groups gnomAD compares: Non-Finnish European, 0.00042%; no homozygotes.

Submissions (3):

Ambry Genetics
Classification: Uncertain significance for Cardiovascular phenotype. Last evaluated: 2025-08-10. Review status: criteria provided, single submitter. Criteria: Ambry Variant Classification Scheme 2023. Collection method: clinical testing. Allele origin: germline.

All of Us Research Program, National Institutes of Health
Classification: Uncertain significance for Arrhythmogenic cardiomyopathy with wooly hair and keratoderma. Last evaluated: 2023-06-08. Review status: criteria provided, single submitter. Criteria: ACMG Guidelines, 2015. Collection method: clinical testing. Allele origin: germline. Inheritance: Autosomal dominant inheritance. Observed: 1 variant allele, 1 heterozygote.
Comment: This missense variant replaces histidine with tyrosine at codon 618 of the DSP protein. Computational prediction suggests that this variant may not impact protein structure and function (internally defined REVEL score threshold <= 0.5, PMID: 27666373). To our knowledge, functional studies have not been reported for this variant. This variant has not been reported in individuals affected with DSP-related disorders in the literature. This variant has been identified in 1/251264 chromosomes in the general population by the Genome Aggregation Database (gnomAD). The available evidence is insufficient to determine the role of this variant in disease conclusively. Therefore, this variant is classified as a Variant of Uncertain Significance.

This study involves interpretation of variants in research participants for the purpose of population health screening. Participant phenotype was not available at the time of variant classification. Additional details can be found in publication PMID: 35346344, PMCID: PMC8962531

Labcorp Genetics (formerly Invitae), Labcorp
Classification: Uncertain significance for Arrhythmogenic cardiomyopathy with wooly hair and keratoderma; Arrhythmogenic right ventricular dysplasia 8. Last evaluated: 2023-01-30. Review status: criteria provided, single submitter. Criteria: Invitae Variant Classification Sherloc (09022015). Collection method: clinical testing. Allele origin: germline.
Comment: In summary, the available evidence is currently insufficient to determine the role of this variant in disease. Therefore, it has been classified as a Variant of Uncertain Significance. This variant disrupts the p.His618 amino acid residue in DSP. Other variant(s) that disrupt this residue have been determined to be pathogenic (PMID: 26604139). This suggests that this residue is clinically significant, and that variants that disrupt this residue are likely to be disease-causing. Algorithms developed to predict the effect of missense changes on protein structure and function output the following: SIFT: "Deleterious"; PolyPhen-2: "Benign"; Align-GVGD: "Class C65". The tyrosine amino acid residue is found in multiple mammalian species, which suggests that this missense change does not adversely affect protein function. This variant has not been reported in the literature in individuals affected with DSP-related conditions. This variant is present in population databases (rs750151404, gnomAD 0.0009%). This sequence change replaces histidine, which is basic and polar, with tyrosine, which is neutral and polar, at codon 618 of the DSP protein (p.His618Tyr).

Literature cited by the submitters: PubMed 26604139 (cited by Labcorp Genetics (formerly Invitae), Labcorp).

NM_004415.4(DSP):c.1852C>T (p.His618Tyr)

Gene: DSP (desmoplakin; plus strand). Cytogenetic location: 6p24.3.
Variant type: single nucleotide variant.
Coding change: c.1852C>T on transcript NM_004415.4 (MANE Select); coding-DNA position 1852, C replaced by T.
Protein change: p.His618Tyr; replaces histidine 618 with tyrosine.
Molecular consequence: missense variant.
Genome position (GRCh38, 1-based): chr6:7,571,533, C>T. VCF-style: chr6-7571533-C-T. GRCh37 (hg19) VCF-style: chr6-7571766-C-T.
Other names: c.1852C>T, p.His618Tyr (NM_001008844.3, NM_001319034.2); short protein forms H618Y.
Identifiers: ClinVar variation 2934117 (VCV002934117.5), dbSNP rs750151404, ClinGen allele CA030261.